The following is an entry in ClinVar:

NM_001903.5(CTNNA1):c.2304del (p.Asp769fs)

Gene: CTNNA1 (catenin alpha 1; plus strand). Cytogenetic location: 5q31.2.
Variant type: Deletion.
Coding change: c.2304del on transcript NM_001903.5 (MANE Select); coding-DNA position 2304, one base deleted (C; older notation c.2304delC).
Protein change: p.Asp769fs; shifts the reading frame from aspartic acid 769.
Molecular consequence: frameshift variant. On other transcripts: intron variant (1).
Genome position (GRCh38, 1-based): chr5:138,932,583, C deleted; the last of 4 consecutive C bases (chr5:138,932,580-138,932,583); deleting any one gives the same sequence. VCF-style (leftmost placement, unchanged base first): chr5-138932579-GC-G. GRCh37 (hg19) VCF-style: chr5-138268268-GC-G.
Other names: c.2304del, p.Asp769fs (NM_001323984.2, NM_001323985.2, NM_001290307.3 and 2 more transcripts); c.2211del, p.Asp738fs (NM_001323986.2); c.1194del, p.Asp399fs (NM_001323987.1, NM_001323988.1, NM_001323989.1 and 16 more transcripts); c.1995del, p.Asp666fs (NM_001290309.3); c.1935del, p.Asp646fs (NM_001290310.3); c.855del, p.Asp286fs (NM_001324006.1, NM_001324007.1, NM_001324008.1 and 2 more transcripts); c.1101del, p.Asp368fs (NM_001324011.1); c.951del, p.Asp318fs (NM_001324012.1, NM_001324013.1); and 1 more; short protein forms D286fs, D399fs, D666fs, D368fs, D646fs, D769fs, D738fs, D318fs.
Identifiers: ClinVar variation 2811874 (VCV002811874.3), dbSNP rs2533910715, ClinGen allele CA2739275080.
Genomic context (GRCh38, chr5:138,932,579, plus strand): 5'-GGGTCGGGGGTGCTTGGGCCAGGCCAGGATACTTGGTGTTAAGCCTGCTCTCTCTTCAGT[GC>G]CCCGACTCGGCTTGCAAGCAGGACCTGCTGGCCTACCTGCAACGCATCGCCCTCTACTGC-3'

ClinVar aggregate classification (germline): Pathogenic (1 of 4 stars; one submission).

Submission:

Labcorp Genetics (formerly Invitae), Labcorp
Classification: Pathogenic. Last evaluated: 2024-09-23. Review status: criteria provided, single submitter. Criteria: Invitae Variant Classification Sherloc (09022015). Collection method: clinical testing. Allele origin: germline.
Comment: This sequence change creates a premature translational stop signal (p.Asp769Thrfs*22) in the CTNNA1 gene. It is expected to result in an absent or disrupted protein product. Loss-of-function variants in CTNNA1 are known to be pathogenic (PMID: 32051609, 34425242). This variant is not present in population databases (gnomAD no frequency). This variant has not been reported in the literature in individuals affected with CTNNA1-related conditions. For these reasons, this variant has been classified as Pathogenic.

Literature cited by the submitters: PubMed 32051609; PubMed 34425242.